The following is an entry in ClinVar:

ClinVar aggregate classification (germline): Pathogenic. Review status: criteria provided, multiple submitters, no conflicts (2 of 4 stars). 2 submissions from 2 submitters: Pathogenic (2). Last evaluated 2023-08-11.

Conditions:
Usher syndrome type 1C. Also called: USHER SYNDROME, TYPE I, ACADIAN VARIETY. Identifiers: Orphanet 231169, Orphanet 886, MedGen C1848604, MONDO:0010171, OMIM 276904.

Submissions (2):

Myriad Genetics, Inc.
Classification: Pathogenic for Usher syndrome type 1C. Last evaluated: 2023-08-11. Review status: criteria provided, single submitter. Criteria: Myriad Autosomal Dominant, Autosomal Recessive and X-Linked Classification Criteria (2023). Collection method: clinical testing. Allele origin: unknown.
Comment: NM_005709.3(USH1C):c.1050delA(E351Rfs*14) is expected to be pathogenic in the context of USH1C-related disorders. This variant is predicted to lead to an abnormal or absent protein product due to the creation of a premature termination codon in USH1C, a gene where loss-of-function variants are known to be pathogenic. Please note: this variant was assessed in the context of healthy population screening.

Labcorp Genetics (formerly Invitae), Labcorp
Classification: Pathogenic. Last evaluated: 2022-04-14. Review status: criteria provided, single submitter. Criteria: Invitae Variant Classification Sherloc (09022015). Collection method: clinical testing. Allele origin: germline.
Comment: For these reasons, this variant has been classified as Pathogenic. This variant has not been reported in the literature in individuals affected with USH1C-related conditions. This variant is not present in population databases (gnomAD no frequency). This sequence change creates a premature translational stop signal (p.Glu351Argfs*14) in the USH1C gene. It is expected to result in an absent or disrupted protein product. Loss-of-function variants in USH1C are known to be pathogenic (PMID: 10973247, 17407589, 20301442, 21203349).

Literature cited by the submitters: PubMed 10973247 (cited by Labcorp Genetics (formerly Invitae), Labcorp); PubMed 17407589 (cited by Labcorp Genetics (formerly Invitae), Labcorp); PubMed 20301442 (cited by Labcorp Genetics (formerly Invitae), Labcorp); PubMed 21203349 (cited by Labcorp Genetics (formerly Invitae), Labcorp).

NM_153676.4(USH1C):c.1050del (p.Glu351fs)

Gene: USH1C (USH1 protein network component harmonin; minus strand). Cytogenetic location: 11p15.1.
Variant type: Deletion.
Coding change: c.1050del on transcript NM_153676.4 (MANE Select); coding-DNA position 1050, one base deleted (A; older notation c.1050delA).
Protein change: p.Glu351fs; shifts the reading frame from glutamic acid 351.
Molecular consequence: frameshift variant. On other transcripts: non-coding transcript variant (1).
Genome position (GRCh38, 1-based): chr11:17,521,381, T deleted on the plus strand (A on the coding strand, the reverse complement: USH1C is on the minus strand). VCF-style (leftmost placement, unchanged base first): chr11-17521380-CT-C. GRCh37 (hg19) VCF-style: chr11-17542927-CT-C.
Other names: c.993del, p.Glu332fs (NM_001297764.2); c.1050del, p.Glu351fs (NM_005709.4); short protein forms E332fs, E351fs.
Identifiers: ClinVar variation 1392718 (VCV001392718.7), dbSNP rs2133870386, ClinGen allele CA2573146153.